The following is an entry in ClinVar:

NM_006420.3(ARFGEF2):c.4180-260C>G

Gene: ARFGEF2 (ARF guanine nucleotide exchange factor 2; plus strand). Cytogenetic location: 20q13.13.
Variant type: single nucleotide variant.
Coding change: c.4180-260C>G on transcript NM_006420.3 (MANE Select); 260 bases into the intron before coding-DNA position 4180, C replaced by G.
Molecular consequence: intron variant.
Genome position (GRCh38, 1-based): chr20:49,016,020, C>G. VCF-style: chr20-49016020-C-G. GRCh37 (hg19) VCF-style: chr20-47632557-C-G.
Identifiers: ClinVar variation 669389 (VCV000669389.1), dbSNP rs1473717, ClinGen allele CA14799626.

ClinVar aggregate classification (germline): Benign (1 of 4 stars; one submission).

Allele frequency attached by ClinVar (database versions not stated): gnomAD 0.23791 and 0.24639; TOPMed 0.24922; 1000 Genomes Project 30x 0.28873; 1000 Genomes Project 0.29213.
gnomAD v4.1: 37,444 of 152,062 alleles (25%); highest among the groups gnomAD compares: East Asian, 47%; 5,279 homozygotes.

Submission:

GeneDx
Classification: Benign. Last evaluated: 2018-06-14. Review status: criteria provided, single submitter. Criteria: GeneDx Variant Classification (06012015). Collection method: clinical testing. Allele origin: germline. Affected: yes.
Comment: This variant is considered likely benign or benign based on one or more of the following criteria: it is a conservative change, it occurs at a poorly conserved position in the protein, it is predicted to be benign by multiple in silico algorithms, and/or has population frequency not consistent with disease.